The following is an entry in ClinVar:

NM_000359.3(TGM1):c.2260del (p.Gln754fs)

Gene: TGM1 (transglutaminase 1; minus strand). Cytogenetic location: 14q12.
Variant type: Deletion.
Coding change: c.2260del on transcript NM_000359.3 (MANE Select); coding-DNA position 2260, one base deleted (C; older notation c.2260delC).
Protein change: p.Gln754fs; shifts the reading frame from glutamine 754.
Molecular consequence: frameshift variant.
Genome position (GRCh38, 1-based): chr14:24,249,507, G deleted on the plus strand (C on the coding strand, the reverse complement: TGM1 is on the minus strand); the first of 2 consecutive G bases (chr14:24,249,507-24,249,508); deleting either gives the same sequence. VCF-style (leftmost placement, unchanged base first): chr14-24249506-TG-T. GRCh37 (hg19) VCF-style: chr14-24718712-TG-T.
Other names: short protein forms Q754fs.
Identifiers: ClinVar variation 952357 (VCV000952357.11), dbSNP rs2040682065, ClinGen allele CA1139663416.

ClinVar aggregate classification (germline): Likely pathogenic (1 of 4 stars; one submission).

Submission:

Labcorp Genetics (formerly Invitae), Labcorp
Classification: Likely pathogenic. Last evaluated: 2023-08-10. Review status: criteria provided, single submitter. Criteria: Invitae Variant Classification Sherloc (09022015). Collection method: clinical testing. Allele origin: germline.
Comment: This sequence change creates a premature translational stop signal (p.Gln754Serfs*52) in the TGM1 gene. While this is not anticipated to result in nonsense mediated decay, it is expected to disrupt the last 64 amino acid(s) of the TGM1 protein. This variant is not present in population databases (gnomAD no frequency). This variant has not been reported in the literature in individuals affected with TGM1-related conditions. ClinVar contains an entry for this variant (Variation ID: 952357). This variant disrupts the C-terminus of the TGM1 protein. Other variant(s) that disrupt this region (p.Arg760*, p.Arg764Alafs*42, p.Gln774*) have been observed in individuals with TGM1-related conditions (PMID: 10914678, 17635512, 25766764). This suggests that this may be a clinically significant region of the protein. In summary, the currently available evidence indicates that the variant is pathogenic, but additional data are needed to prove that conclusively. Therefore, this variant has been classified as Likely Pathogenic.

Literature cited by the submitters: PubMed 10914678; PubMed 17635512; PubMed 25766764.